The following is an entry in ClinVar:

NM_000329.3(RPE65):c.856G>A (p.Gly286Arg)

Gene: RPE65 (retinoid isomerohydrolase RPE65; minus strand). Cytogenetic location: 1p31.3.
Variant type: single nucleotide variant.
Coding change: c.856G>A on transcript NM_000329.3 (MANE Select); coding-DNA position 856, G replaced by A.
Protein change: p.Gly286Arg; replaces glycine 286 with arginine.
Molecular consequence: missense variant.
Genome position (GRCh38, 1-based): chr1:68,439,193, C>T on the plus strand (G>A on the coding strand, the complement: RPE65 is on the minus strand). VCF-style: chr1-68439193-C-T. GRCh37 (hg19) VCF-style: chr1-68904876-C-T.
Other names: c.748G>A, p.Gly250Arg (NM_001406853.1); c.580G>A, p.Gly194Arg (NM_001406856.1, NM_001406857.1); c.856G>A, p.Gly286Arg (NM_001406859.1); short protein forms G250R, G286R, G194R.
Identifiers: ClinVar variation 4786094 (VCV004786094.1).

ClinVar aggregate classification (germline): Uncertain significance (1 of 4 stars; one submission).

Conditions:
Leber congenital amaurosis 2 (LCA2). Also called: Autosomal Recessive RPE65-Related Retinal Degeneration; AMAUROSIS CONGENITA OF LEBER II. Identifiers: Orphanet 65, MedGen C1859844, MONDO:0008765, OMIM 204100. Disease mechanism: loss of function.
Retinitis pigmentosa 20 (RP20). Identifiers: Orphanet 791, MedGen C3151086, MONDO:0013425, OMIM 613794.

gnomAD v4.1: 1 of 1,614,050 alleles (0.000062%); highest among the groups gnomAD compares: Non-Finnish European, 0.000085%; no homozygotes.

Submission:

Labcorp Genetics (formerly Invitae), Labcorp
Classification: Uncertain significance for Leber congenital amaurosis 2; Retinitis pigmentosa 20. Last evaluated: 2025-09-09. Review status: criteria provided, single submitter. Criteria: Invitae Variant Classification Sherloc (09022015). Collection method: clinical testing. Allele origin: germline.
Comment: This sequence change replaces glycine, which is neutral and non-polar, with arginine, which is basic and polar, at codon 286 of the RPE65 protein (p.Gly286Arg). This variant is not present in population databases (gnomAD no frequency). This variant has not been reported in the literature in individuals affected with RPE65-related conditions. An algorithm developed to predict the effect of missense changes on protein structure and function (PolyPhen-2) suggests that this variant is likely to be disruptive. In summary, the available evidence is currently insufficient to determine the role of this variant in disease. Therefore, it has been classified as a Variant of Uncertain Significance.